The following is an entry in ClinVar:

NM_006516.4(SLC2A1):c.*60C>T

Gene: SLC2A1 (solute carrier family 2 member 1; minus strand). Cytogenetic location: 1p34.2.
Variant type: single nucleotide variant.
Coding change: c.*60C>T on transcript NM_006516.4 (MANE Select); 60 bases downstream of the stop codon, C replaced by T.
Molecular consequence: 3 prime UTR variant.
Genome position (GRCh38, 1-based): chr1:42,926,981, G>A on the plus strand (C>T on the coding strand, the complement: SLC2A1 is on the minus strand). VCF-style: chr1-42926981-G-A. GRCh37 (hg19) VCF-style: chr1-43392652-G-A.
Identifiers: ClinVar variation 297377 (VCV000297377.5), dbSNP rs2229684, ClinGen allele CA10610265.

ClinVar aggregate classification (germline): Benign. Review status: criteria provided, single submitter (1 of 4 stars). 2 submissions from 1 submitter: Benign (2). Last evaluated 2018-01-12.

Conditions:
Dystonia 9 (DYT9). Also called: CHOREOATHETOSIS, KINESIGENIC, WITH EPISODIC ATAXIA AND SPASTICITY. Identifiers: Orphanet 53583, MedGen C1832855, MONDO:0010983, OMIM 601042.
Encephalopathy due to GLUT1 deficiency. Also called: Classic Glucose Transporter Type 1 Deficiency Syndrome; GLUCOSE TRANSPORT DEFECT, BLOOD-BRAIN BARRIER; De Vivo disease; Glucose transporter protein syndrome; GLUT1 deficiency syndrome 1, infantile onset, severe; GLUT1 deficiency syndrome 1. Identifiers: Orphanet 71277, MedGen C4551966, MONDO:0011724, OMIM 606777.

Allele frequency attached by ClinVar (database versions not stated): gnomAD exomes 0.00062; gnomAD 0.00704 and 0.00754; 1000 Genomes Project 30x 0.00765; 1000 Genomes Project 0.00799; TOPMed 0.00812.

Submissions (2):

Illumina Laboratory Services, Illumina
Classification: Benign for Encephalopathy due to GLUT1 deficiency. Last evaluated: 2018-01-12. Review status: criteria provided, single submitter. Criteria: ICSL Variant Classification Criteria 13 December 2019. Collection method: clinical testing. Allele origin: germline.
Comment: This variant was observed in the ICSL laboratory as part of a predisposition screen in an ostensibly healthy population. It had not been previously curated by ICSL or reported in the Human Gene Mutation Database (HGMD: prior to June 1st, 2018), and was therefore a candidate for classification through an automated scoring system. Utilizing variant allele frequency, disease prevalence and penetrance estimates, and inheritance mode, an automated score was calculated to assess if this variant is too frequent to cause the disease. Based on the score and internal cut-off values, a variant classified as benign is not then subjected to further curation. The score for this variant resulted in a classification of benign for this disease.

Illumina Laboratory Services, Illumina
Classification: Benign for Dystonia 9. Last evaluated: 2018-01-12. Review status: criteria provided, single submitter. Criteria: ICSL Variant Classification Criteria 13 December 2019. Collection method: clinical testing. Allele origin: germline.
Comment: the same text as in the submission from Illumina Laboratory Services, Illumina above.